The following is an entry in ClinVar:

NM_001252024.2(TRPM1):c.1701C>T (p.Tyr567=)

Gene: TRPM1 (transient receptor potential cation channel subfamily M member 1; minus strand). Cytogenetic location: 15q13.3.
Variant type: single nucleotide variant.
Coding change: c.1701C>T on transcript NM_001252024.2 (MANE Select); coding-DNA position 1701, C replaced by T.
Protein change: p.Tyr567=; no amino-acid change (tyrosine 567 retained).
Molecular consequence: synonymous variant.
Genome position (GRCh38, 1-based): chr15:31,047,174, G>A on the plus strand (C>T on the coding strand, the complement: TRPM1 is on the minus strand). VCF-style: chr15-31047174-G-A. GRCh37 (hg19) VCF-style: chr15-31339377-G-A.
Other names: c.1752C>T, p.Tyr584= (NM_001252020.2); c.1635C>T, p.Tyr545= (NM_002420.6).
Identifiers: ClinVar variation 4985575 (VCV004985575.1).

ClinVar aggregate classification (germline): Likely benign (1 of 4 stars; one submission).

Conditions:
TRPM1-related disorder. Also called: TRPM1-related condition.

gnomAD v4.1: 6 of 1,614,106 alleles (0.00037%); highest among the groups gnomAD compares: African/African-American, 0.004%; no homozygotes.

Submission:

PreventionGenetics, part of Exact Sciences
Classification: Likely benign for TRPM1-related condition. Last evaluated: 2026-06-23. Review status: criteria provided, single submitter. Criteria: ACMG Guidelines, 2015. Collection method: clinical testing. Allele origin: germline.
Comment: This variant is classified as likely benign based on ACMG/AMP sequence variant interpretation guidelines (Richards et al. 2015 PMID: 25741868, with internal and published modifications).